The following is an entry in ClinVar:

NM_015650.4(TRAF3IP1):c.1749A>G (p.Ile583Met)

Gene: TRAF3IP1 (TRAF3 interacting protein 1; plus strand). Cytogenetic location: 2q37.3.
Variant type: single nucleotide variant.
Coding change: c.1749A>G on transcript NM_015650.4 (MANE Select); coding-DNA position 1749, A replaced by G.
Protein change: p.Ile583Met; replaces isoleucine 583 with methionine.
Molecular consequence: missense variant.
Genome position (GRCh38, 1-based): chr2:238,397,518, A>G. VCF-style: chr2-238397518-A-G. GRCh37 (hg19) VCF-style: chr2-239306159-A-G.
Other names: c.1551A>G, p.Ile517Met (NM_001139490.1); short protein forms I517M, I583M.
Identifiers: ClinVar variation 1495036 (VCV001495036.5), dbSNP rs772372812, ClinGen allele CA2198566.
Genomic context (GRCh38, chr2:238,397,518, plus strand): 5'-GGAGCGATCTCTCTTTGAGTCGGCATGGAAGAAGGAGAAGGACATCGTTTCCAAGGAGAT[A>G]GAGAAGCTCCGCACGTCCATCCAGACCCTGTGCAAGAGCGCACTTCCCCTGGGGAAGATC-3'
Protein context (NP_056465.2, residues 573-593): KKEKDIVSKE[Ile583Met]EKLRTSIQTL

ClinVar aggregate classification (germline): Uncertain significance (1 of 4 stars; one submission).

Allele frequency attached by ClinVar (database versions not stated): gnomAD exomes 0.00001; ExAC 0.00002; gnomAD 0.00007 and 0.00008.
gnomAD v4.1: 19 of 1,612,956 alleles (0.0012%); highest among the groups gnomAD compares: African/African-American, 0.025%; no homozygotes.

Submission:

Labcorp Genetics (formerly Invitae), Labcorp
Classification: Uncertain significance. Last evaluated: 2022-02-05. Review status: criteria provided, single submitter. Criteria: Invitae Variant Classification Sherloc (09022015). Collection method: clinical testing. Allele origin: germline.
Comment: This sequence change replaces isoleucine, which is neutral and non-polar, with methionine, which is neutral and non-polar, at codon 583 of the TRAF3IP1 protein (p.Ile583Met). This variant is present in population databases (rs772372812, gnomAD 0.03%). This variant has not been reported in the literature in individuals affected with TRAF3IP1-related conditions. Algorithms developed to predict the effect of missense changes on protein structure and function output the following: SIFT: "Tolerated"; PolyPhen-2: "Possibly Damaging"; Align-GVGD: "Class C0". The methionine amino acid residue is found in multiple mammalian species, which suggests that this missense change does not adversely affect protein function. In summary, the available evidence is currently insufficient to determine the role of this variant in disease. Therefore, it has been classified as a Variant of Uncertain Significance.